The following is an entry in ClinVar:

ClinVar aggregate classification (germline): Uncertain significance. Review status: reviewed by expert panel (3 of 4 stars). 3 submissions from 3 submitters: Uncertain significance (1). 2 of the submissions do not count toward it. Last evaluated 2021-03-26.

Conditions:
Phenylketonuria (PKU). Also called: Phenylketonuria (PKU); FOLLING DISEASE; OLIGOPHRENIA PHENYLPYRUVICA; Phenylketonurias. Identifiers: Orphanet 716, MedGen C0031485, MONDO:0009861, OMIM 261600. Disease mechanism: loss of function.

Allele frequency attached by ClinVar (database versions not stated): gnomAD exomes below 0.00001.
gnomAD v4.1: 1 of 1,614,110 alleles (0.000062%); highest among the groups gnomAD compares: Non-Finnish European, 0.000085%; no homozygotes.

Submissions (3):

ClinGen PAH Variant Curation Expert Panel
Classification: Uncertain significance for Phenylketonuria. Last evaluated: 2021-03-26. Review status: reviewed by expert panel. Criteria: ClinGen PAH ACMG Specifications v1. Collection method: curation. Allele origin: germline. Inheritance: Autosomal recessive inheritance.
Comment: The c.869A>T (p.His290Leu) variant in PAH has been reported in a proband with classic PKU (PMID: 26666653); BH4 deficiency does not appear to have been formally excluded (PP4). It was found with the pathogenic variant c.838G>A (p.Glu280Lys) (PM3_Supporting). The amino acid substitution is predicted damaging by multiple lines of computational evidence (PP3). It is absent from ethnically diverse control databases (PM2). Other missense variants at the site, including p.His290Arg, p.His290Tyr, and p.His290Gln are classified as Likely Pathogenic and Uncertain Significance. Thus, PM5 is not met. In summary, this variant meets criteria to be classified as uncertain significance for PAH. PAH-specific ACMG/AMP criteria applied: PM2, PM3-supporting, PP3, PP4.

Labcorp Genetics (formerly Invitae), Labcorp
Classification: Pathogenic for Phenylketonuria. Last evaluated: 2023-02-28. Review status: criteria provided, single submitter. Criteria: Invitae Variant Classification Sherloc (09022015). Collection method: clinical testing. Allele origin: germline. Not counted in ClinVar's aggregate classification.
Comment: This sequence change replaces histidine, which is basic and polar, with leucine, which is neutral and non-polar, at codon 290 of the PAH protein (p.His290Leu). This variant is not present in population databases (gnomAD no frequency). This missense change has been observed in individual(s) with phenylketonuria (PMID: 26666653). ClinVar contains an entry for this variant (Variation ID: 120290). Advanced modeling of protein sequence and biophysical properties (such as structural, functional, and spatial information, amino acid conservation, physicochemical variation, residue mobility, and thermodynamic stability) performed at Invitae indicates that this missense variant is expected to disrupt PAH protein function. This variant disrupts the p.His290 amino acid residue in PAH. Other variant(s) that disrupt this residue have been determined to be pathogenic (PMID: 22526846, 29499199; Invitae). This suggests that this residue is clinically significant, and that variants that disrupt this residue are likely to be disease-causing. For these reasons, this variant has been classified as Pathogenic.

Inserm U 954, Faculté de Médecine de Nancy
Classification: Likely pathogenic for Phenylketonuria. Review status: no assertion criteria provided. Collection method: not provided. Allele origin: unknown. Not counted in ClinVar's aggregate classification.
ClinVar note: Converted during submission from probable-pathogenic to Likely pathogenic.

Literature cited by the submitters: PubMed 26666653 (cited by Labcorp Genetics (formerly Invitae), Labcorp); PubMed 22526846 (cited by Labcorp Genetics (formerly Invitae), Labcorp); PubMed 29499199 (cited by Labcorp Genetics (formerly Invitae), Labcorp).

NM_000277.3(PAH):c.869A>T (p.His290Leu)

Genes: PAH (phenylalanine hydroxylase; minus strand), LOC126861615 (CDK7 strongly-dependent group 2 enhancer GRCh37_chr12:103244689-103245888; plus strand). Cytogenetic location: 12q23.2.
Variant type: single nucleotide variant.
Coding change: c.869A>T on transcript NM_000277.3 (MANE Select); coding-DNA position 869, A replaced by T.
Protein change: p.His290Leu; replaces histidine 290 with leucine.
Molecular consequence: missense variant.
Genome position (GRCh38, 1-based): chr12:102,851,730, T>A on the plus strand (A>T on the coding strand, the complement: PAH is on the minus strand). VCF-style: chr12-102851730-T-A. GRCh37 (hg19) VCF-style: chr12-103245508-T-A.
Other names: c.869A>T, p.His290Leu (NM_001354304.2); short protein forms H290L.
Identifiers: ClinVar variation 120290 (VCV000120290.6), dbSNP rs62642919, ClinGen allele CA267680.